The following is an entry in ClinVar:

NM_003872.3(NRP2):c.859C>T (p.Arg287Trp)

Gene: NRP2 (neuropilin 2; plus strand). Cytogenetic location: 2q33.3.
Variant type: single nucleotide variant.
Coding change: c.859C>T on transcript NM_003872.3 (MANE Select); coding-DNA position 859, C replaced by T.
Protein change: p.Arg287Trp; replaces arginine 287 with tryptophan.
Molecular consequence: missense variant.
Genome position (GRCh38, 1-based): chr2:205,725,951, C>T. VCF-style: chr2-205725951-C-T. GRCh37 (hg19) VCF-style: chr2-206590675-C-T.
Other names: c.859C>T, p.Arg287Trp (NM_018534.4, NM_201264.2, NM_201266.2 and 2 more transcripts); short protein forms R287W.
Identifiers: ClinVar variation 3202201 (VCV003202201.2), dbSNP rs771278601, ClinGen allele CA2068943.

ClinVar aggregate classification (germline): Uncertain significance. Review status: criteria provided, multiple submitters, no conflicts (2 of 4 stars). 2 submissions from 2 submitters: Uncertain significance (2). Last evaluated 2026-04-02.

Conditions:
NRP2-related disorder. Also called: NRP2-related condition.

Allele frequency attached by ClinVar (database versions not stated): gnomAD 0.00001; TOPMed 0.00001.

Submissions (2):

PreventionGenetics, part of Exact Sciences
Classification: Uncertain significance for NRP2-related condition. Last evaluated: 2026-04-02. Review status: criteria provided, single submitter. Criteria: ACMG Guidelines, 2015. Collection method: clinical testing. Allele origin: germline.
Comment: The NRP2 c.859C>T variant is predicted to result in the amino acid substitution p.Arg287Trp. To our knowledge, this variant has not been reported in the literature. This variant is reported in 0.0087% of alleles in individuals of Latino descent in gnomAD. At this time, the clinical significance of this variant is uncertain due to the absence of conclusive functional and genetic evidence.

Ambry Genetics
Classification: Uncertain significance. Last evaluated: 2023-09-20. Review status: criteria provided, single submitter. Criteria: Ambry Variant Classification Scheme 2023. Collection method: clinical testing. Allele origin: germline.